The following is an entry in ClinVar:

ClinVar aggregate classification (germline): Uncertain significance (1 of 4 stars; one submission).

gnomAD v4.1: 2 of 1,613,014 alleles (0.00012%); no homozygotes.

Submission:

GeneDx
Classification: Uncertain significance. Last evaluated: 2025-03-19. Review status: criteria provided, single submitter. Criteria: GeneDx Variant Classification Process June 2021. Collection method: clinical testing. Allele origin: germline. Affected: yes.
Comment: Not observed at significant frequency in large population cohorts (gnomAD); In silico analysis indicates that this missense variant does not alter protein structure/function; Has not been previously published as pathogenic or benign to our knowledge

NM_002230.4(JUP):c.204C>A (p.Ser68Arg)

Gene: JUP (junction plakoglobin; minus strand). Cytogenetic location: 17q21.2.
Variant type: single nucleotide variant.
Coding change: c.204C>A on transcript NM_002230.4 (MANE Select); coding-DNA position 204, C replaced by A.
Protein change: p.Ser68Arg; replaces serine 68 with arginine.
Molecular consequence: missense variant.
Genome position (GRCh38, 1-based): chr17:41,771,651, G>T on the plus strand (C>A on the coding strand, the complement: JUP is on the minus strand). VCF-style: chr17-41771651-G-T. GRCh37 (hg19) VCF-style: chr17-39927903-G-T.
Other names: c.204C>A, p.Ser68Arg (NM_001352773.2, NM_001352774.2, NM_001352775.2 and 3 more transcripts); short protein forms S68R.
Identifiers: ClinVar variation 4086752 (VCV004086752.1).